The following is an entry in ClinVar:

NM_004385.5(VCAN):c.8879T>C (p.Ile2960Thr)

Genes: VCAN (versican; plus strand), VCAN-AS1 (VCAN antisense RNA 1; minus strand). Cytogenetic location: 5q14.3.
Variant type: single nucleotide variant.
Coding change: c.8879T>C on transcript NM_004385.5 (MANE Select); coding-DNA position 8879, T replaced by C.
Protein change: p.Ile2960Thr; replaces isoleucine 2960 with threonine.
Molecular consequence: missense variant. On other transcripts: intron variant (2).
Genome position (GRCh38, 1-based): chr5:83,541,882, T>C. VCF-style: chr5-83541882-T-C. GRCh37 (hg19) VCF-style: chr5-82837701-T-C.
Other names: c.5918T>C, p.Ile1973Thr (NM_001164097.2); c.4004-3655T>C (NM_001164098.2); c.1043-3655T>C (NM_001126336.3); short protein forms I2960T, I1973T.
Identifiers: ClinVar variation 1402266 (VCV001402266.9), dbSNP rs375803329, ClinGen allele CA3333870.

ClinVar aggregate classification (germline): Conflicting classifications of pathogenicity. Review status: criteria provided, conflicting classifications (1 of 4 stars). 2 submissions from 2 submitters: Uncertain significance (1); Likely benign (1). Last evaluated 2025-11-18.

Allele frequency attached by ClinVar (database versions not stated): gnomAD exomes 0.00001 and 0.00003; TOPMed 0.00002; ExAC 0.00003; ESP Exome Variant Server 0.00008.
gnomAD v4.1: 18 of 1,614,112 alleles (0.0011%); highest among the groups gnomAD compares: Non-Finnish European, 0.0014%; no homozygotes.

Submissions (2):

Labcorp Genetics (formerly Invitae), Labcorp
Classification: Uncertain significance. Last evaluated: 2025-11-18. Review status: criteria provided, single submitter. Criteria: Invitae Variant Classification Sherloc (09022015). Collection method: clinical testing. Allele origin: germline.
Comment: This sequence change replaces isoleucine, which is neutral and non-polar, with threonine, which is neutral and polar, at codon 2960 of the VCAN protein (p.Ile2960Thr). This variant is present in population databases (rs375803329, gnomAD 0.005%). This variant has not been reported in the literature in individuals affected with VCAN-related conditions. ClinVar contains an entry for this variant (Variation ID: 1402266). An algorithm developed to predict the effect of missense changes on protein structure and function outputs the following: PolyPhen-2: "Benign". The threonine amino acid residue is found in multiple mammalian species, which suggests that this missense change does not adversely affect protein function. In summary, the available evidence is currently insufficient to determine the role of this variant in disease. Therefore, it has been classified as a Variant of Uncertain Significance.

Blueprint Genetics
Classification: Likely benign. Last evaluated: 2024-05-29. Review status: criteria provided, single submitter. Criteria: ACMG Guidelines, 2015. Collection method: clinical testing. Allele origin: germline.